The following is an entry in ClinVar:

ClinVar aggregate classification (germline): Uncertain significance (1 of 4 stars; one submission).

Conditions:
Cardiovascular phenotype. Identifiers: MedGen CN230736.

Allele frequency attached by ClinVar (database versions not stated): TOPMed below 0.00001; gnomAD 0.00001.
gnomAD v4.1: 1 of 1,613,982 alleles (0.000062%); highest among the groups gnomAD compares: African/African-American, 0.0013%; no homozygotes.

Submission:

Ambry Genetics
Classification: Uncertain significance for Cardiovascular phenotype. Last evaluated: 2019-11-14. Review status: criteria provided, single submitter. Criteria: Ambry Variant Classification Scheme 2023. Collection method: clinical testing. Allele origin: germline.
Comment: The p.C190G variant (also known as c.568T>G), located in coding exon 6 of the TPM1 gene, results from a T to G substitution at nucleotide position 568. The cysteine at codon 190 is replaced by glycine, an amino acid with highly dissimilar properties. This amino acid position is highly conserved in available vertebrate species. In addition, this alteration is predicted to be deleterious by in silico analysis. Since supporting evidence is limited at this time, the clinical significance of this alteration remains unclear.

NM_001018005.2(TPM1):c.568T>G (p.Cys190Gly)

Gene: TPM1 (tropomyosin 1; plus strand). Cytogenetic location: 15q22.2.
Variant type: single nucleotide variant.
Coding change: c.568T>G on transcript NM_001018005.2 (MANE Select); coding-DNA position 568, T replaced by G.
Protein change: p.Cys190Gly; replaces cysteine 190 with glycine.
Molecular consequence: missense variant. On other transcripts: intron variant (6).
Genome position (GRCh38, 1-based): chr15:63,061,717, T>G. VCF-style: chr15-63061717-T-G. GRCh37 (hg19) VCF-style: chr15-63353916-T-G.
Other names: c.568T>G, p.Cys190Gly (NM_001018004.2, NM_001018007.2, NM_001301244.2 and 7 more transcripts); c.460T>G, p.Cys154Gly (NM_001018008.2, NM_001301289.2, NM_001330346.2 and 3 more transcripts); c.694T>G, p.Cys232Gly (NM_001365778.1, NM_001407324.1); c.639+444T>G (NM_001018020.2, NM_001018006.2, NM_000366.6); c.531+444T>G (NM_001330351.2, NM_001330344.2, NM_001365781.2); short protein forms C232G, C190G, C154G.
Identifiers: ClinVar variation 1749076 (VCV001749076.2), dbSNP rs730881139, ClinGen allele CA392724010.